The following is an entry in ClinVar:

NM_006757.4(TNNT3):c.681+5G>A

Gene: TNNT3 (troponin T3, fast skeletal type; plus strand). Cytogenetic location: 11p15.5.
Variant type: single nucleotide variant.
Coding change: c.681+5G>A on transcript NM_006757.4 (MANE Select); 5 bases into the intron after coding-DNA position 681, G replaced by A.
Molecular consequence: intron variant.
Genome position (GRCh38, 1-based): chr11:1,934,924, G>A. VCF-style: chr11-1934924-G-A. GRCh37 (hg19) VCF-style: chr11-1956154-G-A.
Other names: c.657+5G>A (NM_001297646.2, NM_001042780.3, NM_001042782.3 and 2 more transcripts); c.714+5G>A (NM_001367846.1); c.690+5G>A (NM_001363561.2, NM_001367847.1); c.675+5G>A (NM_001042781.3, NM_001367843.1, NM_001367842.1); c.678+5G>A (NM_001367848.1); c.624+5G>A (NM_001367850.1); c.477+5G>A (NM_001367851.1, NM_001367852.1); c.669+5G>A (NM_001367849.1).
Identifiers: ClinVar variation 4704481 (VCV004704481.1).
Genomic context (GRCh38, chr11:1,934,924, plus strand): 5'-AGCTGGAGATTGACAAGTTCGAGTTTGGGGAGAAGCTGAAACGCCAGAAATATGACGTGA[G>A]TCCCGGCACCTCCGGCCCTGGGGCCCTAGCGGCTTTCACCCACCAGCAGAGCAGCCATCT-3'

ClinVar aggregate classification (germline): Uncertain significance (1 of 4 stars; one submission).

Submission:

Labcorp Genetics (formerly Invitae), Labcorp
Classification: Uncertain significance. Last evaluated: 2025-07-15. Review status: criteria provided, single submitter. Criteria: Invitae Variant Classification Sherloc (09022015). Collection method: clinical testing. Allele origin: germline.
Comment: This sequence change falls in intron 14 of the TNNT3 gene. It does not directly change the encoded amino acid sequence of the TNNT3 protein. It affects a nucleotide within the consensus splice site. This variant is not present in population databases (gnomAD no frequency). This variant has not been reported in the literature in individuals affected with TNNT3-related conditions. Variants that disrupt the consensus splice site are a relatively common cause of aberrant splicing (PMID: 17576681, 9536098). Algorithms developed to predict the effect of sequence changes on RNA splicing suggest that this variant may disrupt the consensus splice site. In summary, the available evidence is currently insufficient to determine the role of this variant in disease. Therefore, it has been classified as a Variant of Uncertain Significance.

Literature cited by the submitters: PubMed 17576681; PubMed 9536098.